The following is an entry in ClinVar:

ClinVar aggregate classification (germline): Benign. Review status: criteria provided, multiple submitters, no conflicts (2 of 4 stars). 2 submissions from 2 submitters: Benign (2). Last evaluated 2018-06-16.

Allele frequency attached by ClinVar (database versions not stated): 1000 Genomes Project 0.02296; 1000 Genomes Project 30x 0.02327; TOPMed 0.04558.
gnomAD v4.1: 8,474 of 152,222 alleles (5.6%); highest among the groups gnomAD compares: Middle Eastern, 8.8%; 385 homozygotes.

Submissions (2):

GeneDx
Classification: Benign. Last evaluated: 2018-06-16. Review status: criteria provided, single submitter. Criteria: GeneDx Variant Classification (06012015). Collection method: clinical testing. Allele origin: germline. Affected: yes.
Comment: This variant is considered likely benign or benign based on one or more of the following criteria: it is a conservative change, it occurs at a poorly conserved position in the protein, it is predicted to be benign by multiple in silico algorithms, and/or has population frequency not consistent with disease.

Breakthrough Genomics
Classification: Benign. Review status: criteria provided, single submitter. Criteria: ACMG Guidelines, 2015. Collection method: not provided. Allele origin: germline. Inheritance: Autosomal recessive inheritance. Affected: yes.

NM_198525.3(KIF7):c.328+201G>A

Gene: KIF7 (kinesin family member 7; minus strand). Cytogenetic location: 15q26.1.
Variant type: single nucleotide variant.
Coding change: c.328+201G>A on transcript NM_198525.3 (MANE Select); 201 bases into the intron after coding-DNA position 328, G replaced by A.
Molecular consequence: intron variant.
Genome position (GRCh38, 1-based): chr15:89,652,402, C>T on the plus strand (G>A on the coding strand, the complement: KIF7 is on the minus strand). VCF-style: chr15-89652402-C-T. GRCh37 (hg19) VCF-style: chr15-90195633-C-T.
Identifiers: ClinVar variation 670665 (VCV000670665.2), dbSNP rs11634830, ClinGen allele CA16512485.
Genomic context (GRCh38, chr15:89,652,402, plus strand): 5'-CCCCAGAGCCAGGCAGCATGGCGCCATCTCTATGGAGGTGAGAAGGCCACTCACCTCCAA[C>T]GACCCTTCCTTCCTGCCCTGCCTAGCCCACAGACATGGCTGGTCCCAGCCTGGGCCACAG-3'